The following is an entry in ClinVar:

ClinVar aggregate classification (germline): Uncertain significance (1 of 4 stars; one submission).

Conditions:
Idiopathic generalized epilepsy. Also called: EIG; Generalised epilepsy. Identifiers: MedGen C0270850, MONDO:0005579, OMIM 600669.

Allele frequency attached by ClinVar (database versions not stated): gnomAD exomes below 0.00001.

Submission:

Labcorp Genetics (formerly Invitae), Labcorp
Classification: Uncertain significance for Idiopathic generalized epilepsy. Last evaluated: 2023-12-11. Review status: criteria provided, single submitter. Criteria: Invitae Variant Classification Sherloc (09022015). Collection method: clinical testing. Allele origin: germline.
Comment: This sequence change replaces arginine, which is basic and polar, with cysteine, which is neutral and slightly polar, at codon 247 of the GABRD protein (p.Arg247Cys). This variant is not present in population databases (gnomAD no frequency). This variant has not been reported in the literature in individuals affected with GABRD-related conditions. An algorithm developed to predict the effect of missense changes on protein structure and function (PolyPhen-2) suggests that this variant is likely to be disruptive. In summary, the available evidence is currently insufficient to determine the role of this variant in disease. Therefore, it has been classified as a Variant of Uncertain Significance.

NM_000815.5(GABRD):c.739C>T (p.Arg247Cys)

Gene: GABRD (gamma-aminobutyric acid type A receptor subunit delta; plus strand). Cytogenetic location: 1p36.33.
Variant type: single nucleotide variant.
Coding change: c.739C>T on transcript NM_000815.5 (MANE Select); coding-DNA position 739, C replaced by T.
Protein change: p.Arg247Cys; replaces arginine 247 with cysteine.
Molecular consequence: missense variant.
Genome position (GRCh38, 1-based): chr1:2,029,158, C>T. VCF-style: chr1-2029158-C-T. GRCh37 (hg19) VCF-style: chr1-1960597-C-T.
Other names: short protein forms R247C.
Identifiers: ClinVar variation 2879597 (VCV002879597.3), dbSNP rs1397037731, ClinGen allele CA337959048.